The following is an entry in ClinVar:

ClinVar aggregate classification (germline): Uncertain significance. Review status: criteria provided, multiple submitters, no conflicts (2 of 4 stars). 2 submissions from 2 submitters: Uncertain significance (2). Last evaluated 2025-05-02.

Conditions:
Inborn genetic diseases. Identifiers: MedGen C0950123, MeSH D030342.

Allele frequency attached by ClinVar (database versions not stated): TOPMed 0.00002; gnomAD 0.00003 and 0.00004; gnomAD exomes 0.00005 and 0.00002; ExAC 0.00007.

Submissions (2):

Labcorp Genetics (formerly Invitae), Labcorp
Classification: Uncertain significance. Last evaluated: 2025-05-02. Review status: criteria provided, single submitter. Criteria: Invitae Variant Classification Sherloc (09022015). Collection method: clinical testing. Allele origin: germline.
Comment: This sequence change replaces glutamic acid, which is acidic and polar, with lysine, which is basic and polar, at codon 140 of the ACAN protein (p.Glu140Lys). This variant is present in population databases (rs776044877, gnomAD 0.04%). This variant has not been reported in the literature in individuals affected with ACAN-related conditions. ClinVar contains an entry for this variant (Variation ID: 1440365). Invitae Evidence Modeling of protein sequence and biophysical properties (such as structural, functional, and spatial information, amino acid conservation, physicochemical variation, residue mobility, and thermodynamic stability) indicates that this missense variant is not expected to disrupt ACAN protein function with a negative predictive value of 80%. In summary, the available evidence is currently insufficient to determine the role of this variant in disease. Therefore, it has been classified as a Variant of Uncertain Significance.

Ambry Genetics
Classification: Uncertain significance for Inborn genetic diseases. Last evaluated: 2023-05-03. Review status: criteria provided, single submitter. Criteria: Ambry Variant Classification Scheme 2023. Collection method: clinical testing. Allele origin: germline.

NM_001369268.1(ACAN):c.418G>A (p.Glu140Lys)

Gene: ACAN (aggrecan; plus strand). Cytogenetic location: 15q26.1.
Variant type: single nucleotide variant.
Coding change: c.418G>A on transcript NM_001369268.1 (MANE Select); coding-DNA position 418, G replaced by A.
Protein change: p.Glu140Lys; replaces glutamic acid 140 with lysine.
Molecular consequence: missense variant.
Genome position (GRCh38, 1-based): chr15:88,839,010, G>A. VCF-style: chr15-88839010-G-A. GRCh37 (hg19) VCF-style: chr15-89382241-G-A.
Other names: c.418G>A, p.Glu140Lys (NM_001135.4, NM_013227.4); c.418G>A (NM_013227.3); short protein forms E140K.
Identifiers: ClinVar variation 1440365 (VCV001440365.9), dbSNP rs776044877, ClinGen allele CA7719215.